The following is an entry in ClinVar:

ClinVar aggregate classification (germline): Likely benign (1 of 4 stars; one submission).

Conditions:
SEMA3C-related disorder. Also called: SEMA3C-related condition.

gnomAD v4.1: 23 of 1,590,150 alleles (0.0014%); highest among the groups gnomAD compares: African/African-American, 0.0041%; no homozygotes.

Submission:

PreventionGenetics, part of Exact Sciences
Classification: Likely benign for SEMA3C-related condition. Last evaluated: 2025-10-21. Review status: criteria provided, single submitter. Criteria: ACMG Guidelines, 2015. Collection method: clinical testing. Allele origin: germline.
Comment: This variant is classified as likely benign based on ACMG/AMP sequence variant interpretation guidelines (Richards et al. 2015 PMID: 25741868, with internal and published modifications).

NM_006379.5(SEMA3C):c.1032T>C (p.Asp344=)

Gene: SEMA3C (semaphorin 3C; minus strand). Cytogenetic location: 7q21.11.
Variant type: single nucleotide variant.
Coding change: c.1032T>C on transcript NM_006379.5 (MANE Select); coding-DNA position 1032, T replaced by C.
Protein change: p.Asp344=; no amino-acid change (aspartic acid 344 retained).
Molecular consequence: synonymous variant.
Genome position (GRCh38, 1-based): chr7:80,798,191, A>G on the plus strand (T>C on the coding strand, the complement: SEMA3C is on the minus strand). VCF-style: chr7-80798191-A-G. GRCh37 (hg19) VCF-style: chr7-80427507-A-G.
Other names: c.1086T>C, p.Asp362= (NM_001350120.2); c.858T>C, p.Asp286= (NM_001350121.2).
Identifiers: ClinVar variation 4977569 (VCV004977569.1).